The following is an entry in ClinVar:

NM_024334.3(TMEM43):c.91G>A (p.Glu31Lys)

Gene: TMEM43 (transmembrane protein 43; plus strand). Cytogenetic location: 3p25.1.
Variant type: single nucleotide variant.
Coding change: c.91G>A on transcript NM_024334.3 (MANE Select); coding-DNA position 91, G replaced by A.
Protein change: p.Glu31Lys; replaces glutamic acid 31 with lysine.
Molecular consequence: missense variant.
Genome position (GRCh38, 1-based): chr3:14,129,490, G>A. VCF-style: chr3-14129490-G-A. GRCh37 (hg19) VCF-style: chr3-14170990-G-A.
Other names: short protein forms E31K.
Identifiers: ClinVar variation 263617 (VCV000263617.20), dbSNP rs754536393, ClinGen allele CA056258.

ClinVar aggregate classification (germline): Conflicting classifications of pathogenicity. Review status: criteria provided, conflicting classifications (1 of 4 stars). 6 submissions from 6 submitters: Uncertain significance (2); Benign (1); Likely benign (3). Last evaluated 2026-04-21.

Conditions:
Cardiovascular phenotype. Identifiers: MedGen CN230736.
Arrhythmogenic right ventricular dysplasia 5. Also called: Arrhythmogenic Right Ventricular Dysplasia/Cardiomyopathy 5; ARRHYTHMOGENIC RIGHT VENTRICULAR DYSPLASIA, FAMILIAL, 5. Identifiers: MedGen C1858379, MONDO:0011459, OMIM 604400.
Auditory neuropathy, autosomal dominant 3 (AUNA3). Identifiers: MedGen C5676964, MONDO:0859235, OMIM 619832.
Emery-Dreifuss muscular dystrophy 7, autosomal dominant (EDMD7). Also called: Emery-Dreifuss muscular dystrophy 7, AD. Identifiers: Orphanet 261, MedGen C3553060, MONDO:0013677, OMIM 614302.
Cardiomyopathy (CMYO). Also called: Cardiomyopathies. Identifiers: Orphanet 167848, MedGen C0878544, MONDO:0004994, HP:0001638. Inheritance: Various modes of inheritance.

Allele frequency attached by ClinVar (database versions not stated): ExAC 0.00007; TOPMed 0.00007; gnomAD 0.00010 and 0.00011; gnomAD exomes 0.00010.
gnomAD v4.1: 112 of 1,613,994 alleles (0.0069%); highest among the groups gnomAD compares: African/African-American, 0.024%; no homozygotes.

Submissions (6):

Women's Health and Genetics/Laboratory Corporation of America, LabCorp
Classification: Likely benign. Last evaluated: 2026-04-21. Review status: criteria provided, single submitter. Criteria: LabCorp Variant Classification Summary - May 2015. Collection method: clinical testing. Allele origin: germline.
Comment: Variant summary: TMEM43 c.91G>A (p.Glu31Lys) results in a conservative amino acid change in the encoded protein sequence. Algorithms developed to predict the effect of missense changes on protein structure and function are either unavailable or do not agree on the potential impact of this missense change. The variant allele was found at a frequency of 9.5e-05 in 251392 control chromosomes. The observed variant frequency exceeds the estimated maximal expected allele frequency for disease-causing variants in TMEM43. c.91G>A has been observed in individual(s) affected with Cardiomyopathy (Lopes_2013). These report(s) do not provide unequivocal conclusions about association of the variant with Cardiomyopathy. To our knowledge, no experimental evidence demonstrating an impact on protein function has been reported. The following publication have been ascertained in the context of this evaluation (PMID: 23396983). ClinVar contains an entry for this variant (Variation ID: 263617). Based on the evidence outlined above, the variant was classified as likely benign.

Labcorp Genetics (formerly Invitae), Labcorp
Classification: Uncertain significance for Arrhythmogenic right ventricular dysplasia 5. Last evaluated: 2026-01-27. Review status: criteria provided, single submitter. Criteria: Invitae Variant Classification Sherloc (09022015). Collection method: clinical testing. Allele origin: germline.
Comment: This sequence change replaces glutamic acid, which is acidic and polar, with lysine, which is basic and polar, at codon 31 of the TMEM43 protein (p.Glu31Lys). This variant is present in population databases (rs754536393, gnomAD 0.04%), and has an allele count higher than expected for a pathogenic variant. This missense change has been observed in individual(s) with hypertrophic cardiomyopathy (PMID: 25351510). ClinVar contains an entry for this variant (Variation ID: 263617). Invitae Evidence Modeling of protein sequence and biophysical properties (such as structural, functional, and spatial information, amino acid conservation, physicochemical variation, residue mobility, and thermodynamic stability) indicates that this missense variant is not expected to disrupt TMEM43 protein function with a negative predictive value of 80%. In summary, the available evidence is currently insufficient to determine the role of this variant in disease. Therefore, it has been classified as a Variant of Uncertain Significance.

Blueprint Genetics
Classification: Likely benign. Last evaluated: 2024-04-15. Review status: criteria provided, single submitter. Criteria: ACMG Guidelines, 2015. Collection method: clinical testing. Allele origin: germline.

Ambry Genetics
Classification: Benign for Cardiovascular phenotype. Last evaluated: 2023-09-04. Review status: criteria provided, single submitter. Criteria: Ambry Variant Classification Scheme 2023. Collection method: clinical testing. Allele origin: germline.

Color Diagnostics, LLC DBA Color Health
Classification: Likely benign for Cardiomyopathy. Last evaluated: 2023-03-29. Review status: criteria provided, single submitter. Criteria: ACMG Guidelines, 2015. Collection method: clinical testing. Allele origin: germline.

Fulgent Genetics
Classification: Uncertain significance for Arrhythmogenic right ventricular dysplasia 5; Emery-Dreifuss muscular dystrophy 7, autosomal dominant; Auditory neuropathy, autosomal dominant 3. Last evaluated: 2021-09-09. Review status: criteria provided, single submitter. Criteria: ACMG Guidelines, 2015. Collection method: clinical testing. Allele origin: unknown.

Literature cited by the submitters: PubMed 23396983 (cited by Women's Health and Genetics/Laboratory Corporation of America, LabCorp); PubMed 25351510 (cited by Labcorp Genetics (formerly Invitae), Labcorp and Ambry Genetics).